The following is an entry in ClinVar:

ClinVar aggregate classification (germline): Uncertain significance (1 of 4 stars; one submission).

Conditions:
Epidermolysis bullosa simplex 5B, with muscular dystrophy (EBS5B). Also called: Epidermolysis bullosa simplex with muscular dystrophy; EPIDERMOLYSIS BULLOSA SIMPLEX AND LIMB-GIRDLE MUSCULAR DYSTROPHY. Identifiers: Orphanet 257, MedGen C2931072, MONDO:0009181, OMIM 226670.
Epidermolysis bullosa simplex 5C, with pyloric atresia (EBS5C). Also called: Epidermolysis bullosa simplex with pyloric atresia; PLEC-Related Epidermolysis Bullosa with Pyloric Atresia; PLEC1-Related Epidermolysis Bullosa with Pyloric Atresia. Identifiers: Orphanet 158684, MedGen C2677349, MONDO:0012807, OMIM 612138.
Epidermolysis bullosa simplex, Ogna type (EBS5A). Also called: Pidermolysis bullosa simplex 5A, Ogna type; EPIDERMOLYSIS BULLOSA SIMPLEX 5A, OGNA TYPE. Identifiers: Orphanet 79401, MedGen C0432317, MONDO:0007555, OMIM 131950.
Autosomal recessive limb-girdle muscular dystrophy type 2Q (LGMDR17). Also called: MUSCULAR DYSTROPHY, LIMB-GIRDLE, AUTOSOMAL RECESSIVE 17. Identifiers: Orphanet 254361, MedGen C3150989, MONDO:0013390, OMIM 613723.
Epidermolysis bullosa simplex with nail dystrophy (EBS5D). Identifiers: MedGen C4225309, MONDO:0014661, OMIM 616487.

gnomAD v4.1: 24 of 1,613,238 alleles (0.0015%); highest among the groups gnomAD compares: Non-Finnish European, 0.0019%; no homozygotes.

Submission:

Labcorp Genetics (formerly Invitae), Labcorp
Classification: Uncertain significance for Autosomal recessive limb-girdle muscular dystrophy type 2Q; Epidermolysis bullosa simplex, Ogna type; Epidermolysis bullosa simplex with nail dystrophy; Epidermolysis bullosa simplex 5C, with pyloric atresia; Epidermolysis bullosa simplex 5B, with muscular dystrophy. Last evaluated: 2025-11-25. Review status: criteria provided, single submitter. Criteria: Invitae Variant Classification Sherloc (09022015). Collection method: clinical testing. Allele origin: germline.
Comment: This sequence change replaces valine, which is neutral and non-polar, with phenylalanine, which is neutral and non-polar, at codon 3306 of the PLEC protein (p.Val3306Phe). This variant is present in population databases (no rsID available, gnomAD 0.0009%). This variant has not been reported in the literature in individuals affected with PLEC-related conditions. ClinVar contains an entry for this variant (Variation ID: 1054387). An algorithm developed to predict the effect of missense changes on protein structure and function (PolyPhen-2) suggests that this variant is likely to be disruptive. In summary, the available evidence is currently insufficient to determine the role of this variant in disease. Therefore, it has been classified as a Variant of Uncertain Significance.

NM_201384.3(PLEC):c.9835G>T (p.Val3279Phe)

Gene: PLEC (plectin; minus strand). Cytogenetic location: 8q24.3.
Variant type: single nucleotide variant.
Coding change: c.9835G>T on transcript NM_201384.3 (MANE Select); coding-DNA position 9835, G replaced by T.
Protein change: p.Val3279Phe; replaces valine 3279 with phenylalanine.
Molecular consequence: missense variant.
Genome position (GRCh38, 1-based): chr8:143,919,986, C>A on the plus strand (G>T on the coding strand, the complement: PLEC is on the minus strand). VCF-style: chr8-143919986-C-A. GRCh37 (hg19) VCF-style: chr8-144994154-C-A.
Other names: c.9916G>T, p.Val3306Phe (NM_000445.5); c.9793G>T, p.Val3265Phe (NM_201378.4); c.9769G>T, p.Val3257Phe (NM_201379.3); c.10246G>T, p.Val3416Phe (NM_201380.4); c.9739G>T, p.Val3247Phe (NM_201381.3); c.9835G>T, p.Val3279Phe (NM_201382.4); c.9847G>T, p.Val3283Phe (NM_201383.3); short protein forms V3247F, V3257F, V3265F, V3279F, V3283F, V3306F, V3416F.
Identifiers: ClinVar variation 1054387 (VCV001054387.9), dbSNP rs200407723, ClinGen allele CA372506408.